The following is an entry in ClinVar:

ClinVar aggregate classification (germline): Uncertain significance. Review status: criteria provided, multiple submitters, no conflicts (2 of 4 stars). 4 submissions from 4 submitters: Uncertain significance (3). 1 of the submissions does not count toward it. Last evaluated 2022-08-27.

Conditions:
Obesity due to prohormone convertase I deficiency. Also called: OBESITY AND ENDOCRINOPATHY DUE TO IMPAIRED PROCESSING OF PROHORMONES. Identifiers: Orphanet 71528, MedGen C1833053, MONDO:0010961, OMIM 600955.
PCSK1-related disorder. Also called: PCSK1-related condition.

Allele frequency attached by ClinVar (database versions not stated): ExAC 0.00017; gnomAD exomes 0.00018 and 0.00023; TOPMed 0.00018; 1000 Genomes Project 30x 0.00031; ESP Exome Variant Server 0.00038; 1000 Genomes Project 0.00040.
gnomAD v4.1: 363 of 1,597,280 alleles (0.023%); highest among the groups gnomAD compares: Non-Finnish European, 0.028%; no homozygotes.

Submissions (4):

Labcorp Genetics (formerly Invitae), Labcorp
Classification: Uncertain significance. Last evaluated: 2022-08-27. Review status: criteria provided, single submitter. Criteria: Invitae Variant Classification Sherloc (09022015). Collection method: clinical testing. Allele origin: germline.
Comment: This sequence change replaces methionine, which is neutral and non-polar, with isoleucine, which is neutral and non-polar, at codon 125 of the PCSK1 protein (p.Met125Ile). This variant is present in population databases (rs146545244, gnomAD 0.03%). This missense change has been observed in individual(s) with obesity (PMID: 22210313). ClinVar contains an entry for this variant (Variation ID: 906974). Algorithms developed to predict the effect of missense changes on protein structure and function (SIFT, PolyPhen-2, Align-GVGD) all suggest that this variant is likely to be tolerated. Experimental studies have shown that this missense change affects PCSK1 function (PMID: 22210313). In summary, the available evidence is currently insufficient to determine the role of this variant in disease. Therefore, it has been classified as a Variant of Uncertain Significance.

GeneDx
Classification: Uncertain significance. Last evaluated: 2020-03-20. Review status: criteria provided, single submitter. Criteria: GeneDx Variant Classification Process June 2021. Collection method: clinical testing. Allele origin: germline. Affected: yes.
Comment: This variant is associated with the following publications: (PMID: 22210313, 27187081)

Illumina Laboratory Services, Illumina
Classification: Uncertain significance for Obesity due to prohormone convertase I deficiency. Last evaluated: 2017-08-25. Review status: criteria provided, single submitter. Criteria: ICSL Variant Classification Criteria 13 December 2019. Collection method: clinical testing. Allele origin: germline.
Comment: This variant was observed as part of a predisposition screen in an ostensibly healthy population. A literature search was performed for the gene, cDNA change, and amino acid change (where applicable). Publications were found based on this search. However, the evidence from the literature, in combination with allele frequency data from public databases where available, was not sufficient to rule this variant in or out of causing disease. Therefore, this variant is classified as a variant of unknown significance.

PreventionGenetics, part of Exact Sciences
Classification: Uncertain significance for PCSK1-related condition. Last evaluated: 2024-08-26. Review status: no assertion criteria provided. Collection method: clinical testing. Allele origin: germline. Not counted in ClinVar's aggregate classification.
Comment: The PCSK1 c.375G>A variant is predicted to result in the amino acid substitution p.Met125Ile. This variant has been reported in a heterozygous state in individuals with obesity (Creemers et al. 2012. PubMed ID: 22210313; Pickett et al. 2013. PubMed ID: 23383060). Creemers et al. showed that the c.375G>A variant leads to partial loss of PCSK1 activity, and carriers of these types of variants had ~ 9-fold increased risk of obesity when compared to controls. Another functional study also showed strong evidence of loss of function (Table 3 and Supplemental Data Set, Shah et al. 2023. PubMed ID: 36864747). Although we suspect this variant may be pathogenic, at this time, the clinical significance of this variant is uncertain due to the absence of conclusive functional and genetic evidence.

Literature cited by the submitters: PubMed 22210313 (cited by Labcorp Genetics (formerly Invitae), Labcorp and Illumina Laboratory Services, Illumina); PubMed 23383060 (cited by Illumina Laboratory Services, Illumina); PubMed 24135795 (cited by Illumina Laboratory Services, Illumina); PubMed 23562752 (cited by Illumina Laboratory Services, Illumina); PubMed 27187081 (cited by Illumina Laboratory Services, Illumina).

NM_000439.5(PCSK1):c.375G>A (p.Met125Ile)

Genes: PCSK1 (proprotein convertase subtilisin/kexin type 1; minus strand), CAST (calpastatin; plus strand), LOC101929710 (uncharacterized LOC101929710; plus strand). Cytogenetic location: 5q15.
Variant type: single nucleotide variant.
Coding change: c.375G>A on transcript NM_000439.5 (MANE Select); coding-DNA position 375, G replaced by A.
Protein change: p.Met125Ile; replaces methionine 125 with isoleucine.
Molecular consequence: missense variant.
Genome position (GRCh38, 1-based): chr5:96,425,841, C>T on the plus strand (G>A on the coding strand, the complement: PCSK1 is on the minus strand). VCF-style: chr5-96425841-C-T. GRCh37 (hg19) VCF-style: chr5-95761545-C-T.
Other names: c.234G>A, p.Met78Ile (NM_001177875.2); short protein forms M125I, M78I.
Identifiers: ClinVar variation 906974 (VCV000906974.10), dbSNP rs146545244, ClinGen allele CA3350509.